The following is an entry in ClinVar:

ClinVar aggregate classification (germline): Uncertain significance (1 of 4 stars; one submission).

Allele frequency attached by ClinVar (database versions not stated): gnomAD exomes below 0.00001.
gnomAD v4.1: 1 of 1,608,342 alleles (0.000062%); highest among the groups gnomAD compares: South Asian, 0.0011%; no homozygotes.

Submission:

Labcorp Genetics (formerly Invitae), Labcorp
Classification: Uncertain significance. Last evaluated: 2020-07-12. Review status: criteria provided, single submitter. Criteria: Invitae Variant Classification Sherloc (09022015). Collection method: clinical testing. Allele origin: germline.
Comment: This sequence change replaces leucine with arginine at codon 175 of the NTHL1 protein (p.Leu175Arg). The leucine residue is highly conserved and there is a moderate physicochemical difference between leucine and arginine. This variant is not present in population databases (ExAC no frequency). This variant has not been reported in the literature in individuals with NTHL1-related conditions. Algorithms developed to predict the effect of missense changes on protein structure and function are either unavailable or do not agree on the potential impact of this missense change (SIFT: "Not Available"; PolyPhen-2: "Probably Damaging"; Align-GVGD: "Not Available"). In summary, the available evidence is currently insufficient to determine the role of this variant in disease. Therefore, it has been classified as a Variant of Uncertain Significance.

NM_002528.7(NTHL1):c.500T>G (p.Leu167Arg)

Gene: NTHL1 (nth like DNA glycosylase 1; minus strand). Cytogenetic location: 16p13.3.
Variant type: single nucleotide variant.
Coding change: c.500T>G on transcript NM_002528.7 (MANE Select); coding-DNA position 500, T replaced by G.
Protein change: p.Leu167Arg; replaces leucine 167 with arginine.
Molecular consequence: missense variant. On other transcripts: intron variant (1).
Genome position (GRCh38, 1-based): chr16:2,044,655, A>C on the plus strand (T>G on the coding strand, the complement: NTHL1 is on the minus strand). VCF-style: chr16-2044655-A-C. GRCh37 (hg19) VCF-style: chr16-2094656-A-C.
Other names: c.170T>G, p.Leu57Arg (NM_001318194.2); c.355-929T>G (NM_001318193.2); short protein forms L167R, L57R.
Identifiers: ClinVar variation 1022915 (VCV001022915.7), dbSNP rs2084316654, ClinGen allele CA394294125.